The following is an entry in ClinVar:

NM_001005242.3(PKP2):c.1646C>T (p.Thr549Ile)

Gene: PKP2 (plakophilin 2; minus strand). Cytogenetic location: 12p11.21.
Variant type: single nucleotide variant.
Coding change: c.1646C>T on transcript NM_001005242.3 (MANE Select); coding-DNA position 1646, C replaced by T.
Protein change: p.Thr549Ile; replaces threonine 549 with isoleucine.
Molecular consequence: missense variant.
Genome position (GRCh38, 1-based): chr12:32,824,073, G>A on the plus strand (C>T on the coding strand, the complement: PKP2 is on the minus strand). VCF-style: chr12-32824073-G-A. GRCh37 (hg19) VCF-style: chr12-32977007-G-A.
Other names: c.1646C>T, p.Thr549Ile (NM_001407155.1, NM_001407156.1, NM_001407161.1); c.1778C>T, p.Thr593Ile (NM_001407157.1, NM_004572.4); c.1319C>T, p.Thr440Ile (NM_001407158.1, NM_001407159.1, NM_001407160.1 and 1 more transcripts); short protein forms T593I, T440I, T549I.
Identifiers: ClinVar variation 3643298 (VCV003643298.3).

ClinVar aggregate classification (germline): Uncertain significance. Review status: criteria provided, multiple submitters, no conflicts (2 of 4 stars). 2 submissions from 2 submitters: Uncertain significance (2). Last evaluated 2025-07-20.

Conditions:
Arrhythmogenic right ventricular dysplasia 9 (ARVD9). Also called: Arrhythmogenic Right Ventricular Dysplasia/Cardiomyopathy 9; ARRHYTHMOGENIC RIGHT VENTRICULAR DYSPLASIA, FAMILIAL, 9. Identifiers: MedGen C1836906, MONDO:0012180, OMIM 609040.
Cardiomyopathy (CMYO). Also called: Cardiomyopathies. Identifiers: Orphanet 167848, MedGen C0878544, MONDO:0004994, HP:0001638. Inheritance: Various modes of inheritance.

Submissions (2):

Color Diagnostics, LLC DBA Color Health
Classification: Uncertain significance for Cardiomyopathy. Last evaluated: 2025-07-20. Review status: criteria provided, single submitter. Criteria: ACMG Guidelines, 2015. Collection method: clinical testing. Allele origin: germline.
Comment: This missense variant replaces threonine with isoleucine at codon 593 of the PKP2 protein. Computational prediction suggests that this variant may not impact protein structure and function. To our knowledge, functional studies have not been reported for this variant. This variant has not been reported in individuals affected with PKP2-related disorders in the literature. This variant has not been identified in the general population by the Genome Aggregation Database (gnomAD). The available evidence is insufficient to determine the role of this variant in disease conclusively. Therefore, this variant is classified as a Variant of Uncertain Significance.

Labcorp Genetics (formerly Invitae), Labcorp
Classification: Uncertain significance for Arrhythmogenic right ventricular dysplasia 9. Last evaluated: 2025-02-05. Review status: criteria provided, single submitter. Criteria: Invitae Variant Classification Sherloc (09022015). Collection method: clinical testing. Allele origin: germline.
Comment: This sequence change replaces threonine, which is neutral and polar, with isoleucine, which is neutral and non-polar, at codon 593 of the PKP2 protein (p.Thr593Ile). This variant is not present in population databases (gnomAD no frequency). This variant has not been reported in the literature in individuals affected with PKP2-related conditions. An algorithm developed to predict the effect of missense changes on protein structure and function (PolyPhen-2) suggests that this variant is likely to be disruptive. In summary, the available evidence is currently insufficient to determine the role of this variant in disease. Therefore, it has been classified as a Variant of Uncertain Significance.